The following is an entry in ClinVar:

NM_002335.4(LRP5):c.285G>A (p.Thr95=)

Gene: LRP5 (LDL receptor related protein 5; plus strand). Cytogenetic location: 11q13.2.
Variant type: single nucleotide variant.
Coding change: c.285G>A on transcript NM_002335.4 (MANE Select); coding-DNA position 285, G replaced by A.
Protein change: p.Thr95=; no amino-acid change (threonine 95 retained).
Molecular consequence: synonymous variant. On other transcripts: 5 prime UTR variant (1).
Genome position (GRCh38, 1-based): chr11:68,348,040, G>A. VCF-style: chr11-68348040-G-A. GRCh37 (hg19) VCF-style: chr11-68115508-G-A.
Other names: c.-1481G>A (NM_001291902.2); c.285G>A (NM_002335.3).
Identifiers: ClinVar variation 1672309 (VCV001672309.9), dbSNP rs745983270, ClinGen allele CA6148952.

ClinVar aggregate classification (germline): Likely benign. Review status: criteria provided, multiple submitters, no conflicts (2 of 4 stars). 2 submissions from 2 submitters: Likely benign (2). Last evaluated 2026-06-23.

Conditions:
LRP5-related disorder. Also called: LRP5-related condition.

Allele frequency attached by ClinVar (database versions not stated): TOPMed 0.00001; gnomAD 0.00002; gnomAD exomes 0.00002; ExAC 0.00003.
gnomAD v4.1: 55 of 1,613,990 alleles (0.0034%); highest among the groups gnomAD compares: East Asian, 0.11%; no homozygotes.

Submissions (2):

PreventionGenetics, part of Exact Sciences
Classification: Likely benign for LRP5-related condition. Last evaluated: 2026-06-23. Review status: criteria provided, single submitter. Criteria: ACMG Guidelines, 2015. Collection method: clinical testing. Allele origin: germline.
Comment: This variant is classified as likely benign based on ACMG/AMP sequence variant interpretation guidelines (Richards et al. 2015 PMID: 25741868, with internal and published modifications).

Labcorp Genetics (formerly Invitae), Labcorp
Classification: Likely benign. Last evaluated: 2025-07-09. Review status: criteria provided, single submitter. Criteria: Invitae Variant Classification Sherloc (09022015). Collection method: clinical testing. Allele origin: germline.